The following is an entry in ClinVar:

NM_000038.6(APC):c.8141G>T (p.Arg2714Leu)

Gene: APC (APC regulator of WNT signaling pathway; plus strand). Cytogenetic location: 5q22.2.
Variant type: single nucleotide variant.
Coding change: c.8141G>T on transcript NM_000038.6 (MANE Select); coding-DNA position 8141, G replaced by T.
Protein change: p.Arg2714Leu; replaces arginine 2714 with leucine.
Molecular consequence: missense variant. On other transcripts: non-coding transcript variant (2).
Genome position (GRCh38, 1-based): chr5:112,843,735, G>T. VCF-style: chr5-112843735-G-T. GRCh37 (hg19) VCF-style: chr5-112179432-G-T.
Other names: c.8141G>T, p.Arg2714Leu (NM_001127510.3, NM_001354895.2, NM_001407450.1); c.8087G>T, p.Arg2696Leu (NM_001127511.3); c.8195G>T, p.Arg2732Leu (NM_001354896.2, NM_001407447.1, NM_001407448.1 and 1 more transcripts); c.8171G>T, p.Arg2724Leu (NM_001354897.2); c.8066G>T, p.Arg2689Leu (NM_001354898.2); c.8057G>T, p.Arg2686Leu (NM_001354899.2); c.8018G>T, p.Arg2673Leu (NM_001354900.2); c.7964G>T, p.Arg2655Leu (NM_001354901.2, NM_001407453.1); and 11 more; short protein forms R2330L, R2431L, R2554L, R2585L, R2588L, R2613L, R2623L, R2631L.
Identifiers: ClinVar variation 3901403 (VCV003901403.1).
Genomic context (GRCh38, chr5:112,843,735, plus strand): 5'-TTAAAGATTCAAAAGATAATCAGGCAAAACAAAATGTGGGTAATGGCAGTGTTCCCATGC[G>T]TACCGTGGGTTTGGAAAATCGCCTGAACTCCTTTATTCAGGTGGATGCCCCTGACCAAAA-3'
Protein context (NP_000029.2, residues 2704-2724): QNVGNGSVPM[Arg2714Leu]TVGLENRLNS

ClinVar aggregate classification (germline): Uncertain significance (1 of 4 stars; one submission).

Submission:

GeneDx
Classification: Uncertain significance. Last evaluated: 2024-12-06. Review status: criteria provided, single submitter. Criteria: GeneDx Variant Classification Process June 2021. Collection method: clinical testing. Allele origin: germline. Affected: yes.
Comment: Not observed at significant frequency in large population cohorts (gnomAD); In silico analysis indicates that this missense variant does not alter protein structure/function; Has not been previously published as pathogenic or benign to our knowledge; This variant is associated with the following publications: (PMID: 24395524, 18199528)